The following is an entry in ClinVar:

ClinVar aggregate classification (germline): Uncertain significance (1 of 4 stars; one submission).

Submission:

GeneDx
Classification: Uncertain significance. Last evaluated: 2022-12-01. Review status: criteria provided, single submitter. Criteria: GeneDx Variant Classification Process June 2021. Collection method: clinical testing. Allele origin: germline. Affected: yes.
Comment: Not observed at significant frequency in large population cohorts (gnomAD); In silico analysis supports that this missense variant has a deleterious effect on protein structure/function; Has not been previously published as pathogenic or benign to our knowledge

NM_020738.4(KIDINS220):c.2162C>T (p.Ser721Phe)

Gene: KIDINS220 (kinase D interacting substrate 220; minus strand). Cytogenetic location: 2p25.1.
Variant type: single nucleotide variant.
Coding change: c.2162C>T on transcript NM_020738.4 (MANE Select); coding-DNA position 2162, C replaced by T.
Protein change: p.Ser721Phe; replaces serine 721 with phenylalanine.
Molecular consequence: missense variant. On other transcripts: non-coding transcript variant (2).
Genome position (GRCh38, 1-based): chr2:8,785,808, G>A on the plus strand (C>T on the coding strand, the complement: KIDINS220 is on the minus strand). VCF-style: chr2-8785808-G-A. GRCh37 (hg19) VCF-style: chr2-8925938-G-A.
Other names: c.2165C>T, p.Ser722Phe (NM_001348729.2, NM_001348731.2, NM_001348734.2 and 3 more transcripts); c.2162C>T, p.Ser721Phe (NM_001348732.2, NM_001348735.2, NM_001348738.2 and 3 more transcripts); c.2036C>T, p.Ser679Phe (NM_001348736.2); short protein forms S679F, S721F, S722F.
Identifiers: ClinVar variation 2504321 (VCV002504321.1), dbSNP rs2527991433, ClinGen allele CA345763310.